The following is an entry in ClinVar:

NM_000088.4(COL1A1):c.1690C>T (p.Arg564Cys)

Gene: COL1A1 (collagen type I alpha 1 chain; minus strand). Cytogenetic location: 17q21.33.
Variant type: single nucleotide variant.
Coding change: c.1690C>T on transcript NM_000088.4 (MANE Select); coding-DNA position 1690, C replaced by T.
Protein change: p.Arg564Cys; replaces arginine 564 with cysteine.
Molecular consequence: missense variant.
Genome position (GRCh38, 1-based): chr17:50,194,020, G>A on the plus strand (C>T on the coding strand, the complement: COL1A1 is on the minus strand). VCF-style: chr17-50194020-G-A. GRCh37 (hg19) VCF-style: chr17-48271381-G-A.
Other names: short protein forms R564C.
Identifiers: ClinVar variation 2717998 (VCV002717998.4), dbSNP rs1346691372, ClinGen allele CA400215491.

ClinVar aggregate classification (germline): Conflicting classifications of pathogenicity. Review status: criteria provided, conflicting classifications (1 of 4 stars). 2 submissions from 2 submitters: Uncertain significance (1); Likely benign (1). Last evaluated 2026-02-06.

Conditions:
Osteogenesis imperfecta type I (OI1). Also called: Classic Non-deforming Osteogenesis Imperfecta with Blue Sclerae; OI, TYPE I; OSTEOGENESIS IMPERFECTA TARDA; OSTEOGENESIS IMPERFECTA WITH BLUE SCLERAE; Osteogenesis imperfecta type 1; Lobstein's Disease. Identifiers: Orphanet 216796, Orphanet 666, MedGen C0023931, MONDO:0008146, OMIM 166200. Disease mechanism: loss of function.

Allele frequency attached by ClinVar (database versions not stated): TOPMed below 0.00001; gnomAD 0.00001.
gnomAD v4.1: 4 of 1,613,922 alleles (0.00025%); highest among the groups gnomAD compares: African/African-American, 0.0027%; no homozygotes.

Submissions (2):

Women's Health and Genetics/Laboratory Corporation of America, LabCorp
Classification: Uncertain significance. Last evaluated: 2026-02-06. Review status: criteria provided, single submitter. Criteria: LabCorp Variant Classification Summary - May 2015. Collection method: clinical testing. Allele origin: germline.
Comment: Variant summary: COL1A1 c.1690C>T (p.Arg564Cys) results in a non-conservative amino acid change in the encoded protein sequence. Algorithms developed to predict the effect of missense changes on protein structure and function all suggest that this variant is likely to be disruptive. The variant allele was found at a frequency of 4e-06 in 251298 control chromosomes, predominantly at a frequency of 6.2e-05 within the African or African-American subpopulation in the gnomAD database. The available data on variant occurrences in the general population are insufficient to allow any conclusion about variant significance. c.1690C>T has been observed in one individual affected with Rheumatoid arthritis (Rauch_2019). The report does not provide unequivocal conclusions about association of the variant with Osteogenesis imperfecta type I. To our knowledge, no experimental evidence demonstrating an impact on protein function has been reported. The following publication have been ascertained in the context of this evaluation (PMID: 30719581). ClinVar contains an entry for this variant (Variation ID: 2717998). Based on the evidence outlined above, the variant was classified as uncertain significance.

Labcorp Genetics (formerly Invitae), Labcorp
Classification: Likely benign for Osteogenesis imperfecta type I. Last evaluated: 2025-03-17. Review status: criteria provided, single submitter. Criteria: Invitae Variant Classification Sherloc (09022015). Collection method: clinical testing. Allele origin: germline.

Literature cited by the submitters: PubMed 30719581 (cited by Women's Health and Genetics/Laboratory Corporation of America, LabCorp).